The following is an entry in ClinVar:

NM_001166114.2(PNPLA6):c.3698A>G (p.Tyr1233Cys)

Gene: PNPLA6 (patatin like domain 6, lysophospholipase; plus strand). Cytogenetic location: 19p13.2.
Variant type: single nucleotide variant.
Coding change: c.3698A>G on transcript NM_001166114.2 (MANE Select); coding-DNA position 3698, A replaced by G.
Protein change: p.Tyr1233Cys; replaces tyrosine 1233 with cysteine.
Molecular consequence: missense variant.
Genome position (GRCh38, 1-based): chr19:7,559,150, A>G. VCF-style: chr19-7559150-A-G. GRCh37 (hg19) VCF-style: chr19-7624036-A-G.
Other names: c.3728A>G, p.Tyr1243Cys (NM_001166111.2); c.3503A>G, p.Tyr1168Cys (NM_001166112.2); c.3584A>G, p.Tyr1195Cys (NM_001166113.1, NM_006702.5); short protein forms Y1168C, Y1233C, Y1195C, Y1243C.
Identifiers: ClinVar variation 1474327 (VCV001474327.8), dbSNP rs777550870, ClinGen allele CA403136110.

ClinVar aggregate classification (germline): Uncertain significance (1 of 4 stars; one submission).

Conditions:
Hereditary spastic paraplegia 39 (SPG39). Also called: SPASTIC PARAPLEGIA 39, AUTOSOMAL RECESSIVE; Spastic Paraplegia Type 39 (SPG39). Identifiers: Orphanet 139480, MedGen C2677586, MONDO:0012787, OMIM 612020.

Allele frequency attached by ClinVar (database versions not stated): gnomAD 0.00001; TOPMed 0.00001.
gnomAD v4.1: 7 of 1,613,842 alleles (0.00043%); highest among the groups gnomAD compares: South Asian, 0.0033%; no homozygotes.

Submission:

Labcorp Genetics (formerly Invitae), Labcorp
Classification: Uncertain significance for Hereditary spastic paraplegia 39. Last evaluated: 2025-02-10. Review status: criteria provided, single submitter. Criteria: Invitae Variant Classification Sherloc (09022015). Collection method: clinical testing. Allele origin: germline.
Comment: This sequence change replaces tyrosine, which is neutral and polar, with cysteine, which is neutral and slightly polar, at codon 1195 of the PNPLA6 protein (p.Tyr1195Cys). This variant is not present in population databases (gnomAD no frequency). This variant has not been reported in the literature in individuals affected with PNPLA6-related conditions. ClinVar contains an entry for this variant (Variation ID: 1474327). An algorithm developed to predict the effect of missense changes on protein structure and function (PolyPhen-2) suggests that this variant is likely to be disruptive. In summary, the available evidence is currently insufficient to determine the role of this variant in disease. Therefore, it has been classified as a Variant of Uncertain Significance.